The following is an entry in ClinVar:

ClinVar aggregate classification (germline): Conflicting classifications of pathogenicity. Review status: criteria provided, conflicting classifications (1 of 4 stars). 5 submissions from 5 submitters: Uncertain significance (3); Likely benign (2). Last evaluated 2025-10-29.

Conditions:
Cardiac arrhythmia. Also called: Cardiac rhythm disease; Arrhythmia. Identifiers: MedGen C0003811, MONDO:0007263, HP:0011675.
Cardiovascular phenotype. Identifiers: MedGen CN230736.
Long QT syndrome (LQTS). Identifiers: MedGen C0023976, MeSH D008133, MONDO:0002442. Disease mechanism: loss of function. Inheritance: Various modes of inheritance.

Allele frequency attached by ClinVar (database versions not stated): TOPMed 0.00002.
gnomAD v4.1: 35 of 1,589,298 alleles (0.0022%); highest among the groups gnomAD compares: Admixed American, 0.0068%; no homozygotes.

Submissions (5):

Labcorp Genetics (formerly Invitae), Labcorp
Classification: Likely benign for Long QT syndrome. Last evaluated: 2025-10-29. Review status: criteria provided, single submitter. Criteria: Invitae Variant Classification Sherloc (09022015). Collection method: clinical testing. Allele origin: germline.

Ambry Genetics
Classification: Uncertain significance for Cardiovascular phenotype. Last evaluated: 2024-05-08. Review status: criteria provided, single submitter. Criteria: Ambry Variant Classification Scheme 2023. Collection method: clinical testing. Allele origin: germline.
Comment: The c.77-5C>A intronic variant results from a C to A substitution 5 nucleotides upstream from coding exon 2 in the KCNH2 gene. This nucleotide position is not well conserved in available vertebrate species. In silico splice site analysis predicts that this alteration will not have any significant effect on splicing. Based on the available evidence, the clinical significance of this variant remains unclear.

Color Diagnostics, LLC DBA Color Health
Classification: Likely benign for Cardiac arrhythmia. Last evaluated: 2024-04-05. Review status: criteria provided, single submitter. Criteria: ACMG Guidelines, 2015. Collection method: clinical testing. Allele origin: germline.

All of Us Research Program, National Institutes of Health
Classification: Uncertain significance for Long QT syndrome. Last evaluated: 2024-01-11. Review status: criteria provided, single submitter. Criteria: ACMG Guidelines, 2015. Collection method: clinical testing. Allele origin: germline. Inheritance: Autosomal dominant inheritance. Observed: 10 variant alleles, 10 heterozygotes.
Comment: This variant causes a C to A nucleotide substitution at the -5 position of intron 1 of the KCNH2 gene. Splice prediction tools and conservation analysis are inconclusive regarding the impact of this variant on RNA splicing. To our knowledge, functional studies have not been reported for this variant. This variant has not been reported in individuals affected with cardiovascular disorders in the literature. This variant has been identified in 8/246996 chromosomes in the general population by the Genome Aggregation Database (gnomAD). The available evidence is insufficient to determine the role of this variant in disease conclusively. Therefore, this variant is classified as a Variant of Uncertain Significance.

This study involves interpretation of variants in research participants for the purpose of population health screening. Participant phenotype was not available at the time of variant classification. Additional details can be found in publication PMID: 35346344, PMCID: PMC8962531

Blueprint Genetics
Classification: Uncertain significance. Last evaluated: 2023-05-26. Review status: criteria provided, single submitter. Criteria: ACMG Guidelines, 2015. Collection method: clinical testing. Allele origin: germline.

NM_000238.4(KCNH2):c.77-5C>A

Gene: KCNH2 (potassium voltage-gated channel subfamily H member 2; minus strand). Cytogenetic location: 7q36.1.
Variant type: single nucleotide variant.
Coding change: c.77-5C>A on transcript NM_000238.4 (MANE Select); 5 bases into the intron before coding-DNA position 77, C replaced by A.
Molecular consequence: intron variant.
Genome position (GRCh38, 1-based): chr7:150,974,946, G>T on the plus strand (C>A on the coding strand, the complement: KCNH2 is on the minus strand). VCF-style: chr7-150974946-G-T. GRCh37 (hg19) VCF-style: chr7-150672034-G-T.
Other names: c.77-5C>A (NM_172056.3); c.-101-5C>A (NM_001406755.1).
Identifiers: ClinVar variation 456940 (VCV000456940.17), dbSNP rs72549419, ClinGen allele CA040580.